The following is an entry in ClinVar:

NM_058216.3(RAD51C):c.625_628del (p.Tyr209fs)

Genes: RAD51C (RAD51 paralog C; plus strand), LOC129390903 (MPRA-validated peak2919 silencer; plus strand). Cytogenetic location: 17q22.
Variant type: Microsatellite.
Coding change: c.625_628del on transcript NM_058216.3 (MANE Select); coding-DNA positions 625 to 628, 4 bases deleted (TATT; older notation c.625_628delTATT).
Protein change: p.Tyr209fs; shifts the reading frame from tyrosine 209.
Molecular consequence: frameshift variant. On other transcripts: non-coding transcript variant (1).
Genome position (GRCh38, 1-based): chr17:58,703,249-58,703,252, TATT deleted; deleting any 4 consecutive bases within chr17:58,703,245-58,703,252 gives the same sequence; the c. name uses the placement nearest the transcript's 3' end. VCF-style (leftmost placement, unchanged base first): chr17-58703244-ATATT-A. GRCh37 (hg19) VCF-style: chr17-56780605-ATATT-A.
Other names: short protein forms Y209fs.
Identifiers: ClinVar variation 484742 (VCV000484742.9), dbSNP rs1555597132, ClinGen allele CA658658643.

ClinVar aggregate classification (germline): Pathogenic. Review status: criteria provided, multiple submitters, no conflicts (2 of 4 stars). 4 submissions from 4 submitters: Pathogenic (4). Last evaluated 2025-10-13.

Conditions:
Hereditary cancer-predisposing syndrome. Also called: Hereditary neoplastic syndrome; Neoplastic Syndromes, Hereditary; Tumor predisposition; Hereditary Cancer Syndrome. Identifiers: Orphanet 140162, MedGen C0027672, MeSH D009386, MONDO:0015356.
Fanconi anemia complementation group O. Also called: RAD51C-Related Fanconi Anemia. Identifiers: Orphanet 84, MedGen C3150653, MONDO:0013248, OMIM 613390.
Breast-ovarian cancer, familial, susceptibility to, 3. Also called: RAD51C-Related Breast/Ovarian Cancer. Identifiers: Orphanet 145, MedGen C3150659, MONDO:0013253, OMIM 613399.

Submissions (4):

Labcorp Genetics (formerly Invitae), Labcorp
Classification: Pathogenic for Fanconi anemia complementation group O. Last evaluated: 2025-10-13. Review status: criteria provided, single submitter. Criteria: Invitae Variant Classification Sherloc (09022015). Collection method: clinical testing. Allele origin: germline.
Comment: This sequence change creates a premature translational stop signal (p.Tyr209Ilefs*29) in the RAD51C gene. It is expected to result in an absent or disrupted protein product. Loss-of-function variants in RAD51C are known to be pathogenic (PMID: 20400964, 21990120, 24800917, 29278735). This variant is not present in population databases (gnomAD no frequency). This variant has not been reported in the literature in individuals affected with RAD51C-related conditions. ClinVar contains an entry for this variant (Variation ID: 484742). For these reasons, this variant has been classified as Pathogenic.

Myriad Genetics, Inc.
Classification: Pathogenic for Breast-ovarian cancer, familial, susceptibility to, 3. Last evaluated: 2024-01-03. Review status: criteria provided, single submitter. Criteria: Myriad Autosomal Dominant, Autosomal Recessive and X-Linked Classification Criteria (2023). Collection method: clinical testing. Allele origin: unknown.
Comment: This variant is considered pathogenic. This variant creates a frameshift predicted to result in premature protein truncation.

Ambry Genetics
Classification: Pathogenic for Hereditary cancer-predisposing syndrome. Last evaluated: 2022-06-27. Review status: criteria provided, single submitter. Criteria: Ambry Variant Classification Scheme 2023. Collection method: clinical testing. Allele origin: germline.
Comment: The c.625_628delTATT pathogenic mutation, located in coding exon 4 of the RAD51C gene, results from a deletion of 4 nucleotides at nucleotide positions 625 to 628, causing a translational frameshift with a predicted alternate stop codon (p.Y209Ifs*29). This alteration is expected to result in loss of function by premature protein truncation or nonsense-mediated mRNA decay. As such, this alteration is interpreted as a disease-causing mutation.

Color Diagnostics, LLC DBA Color Health
Classification: Pathogenic for Hereditary cancer-predisposing syndrome. Last evaluated: 2020-03-02. Review status: criteria provided, single submitter. Criteria: ACMG Guidelines, 2015. Collection method: clinical testing. Allele origin: germline.
Comment: This variant deletes 4 nucleotides in exon 4 of the RAD51C gene, creating a frameshift and premature translation stop signal. This variant is expected to result in an absent or non-functional protein product. To our knowledge, this variant has not been reported in individuals affected with hereditary cancer in the literature. This variant has not been identified in the general population by the Genome Aggregation Database (gnomAD). Loss of RAD51C function is a known mechanism of disease. Based on the available evidence, this variant is classified as Pathogenic.

Literature cited by the submitters: PubMed 20400964 (cited by Labcorp Genetics (formerly Invitae), Labcorp); PubMed 21990120 (cited by Labcorp Genetics (formerly Invitae), Labcorp); PubMed 24800917 (cited by Labcorp Genetics (formerly Invitae), Labcorp); PubMed 29278735 (cited by Labcorp Genetics (formerly Invitae), Labcorp).